The following is an entry in ClinVar:

ClinVar aggregate classification (germline): Conflicting classifications of pathogenicity. Review status: criteria provided, conflicting classifications (1 of 4 stars). 3 submissions from 3 submitters: Uncertain significance (2); Likely benign (1). Last evaluated 2025-08-01.

Conditions:
Primary ciliary dyskinesia. Also called: Ciliary dyskinesia. Identifiers: Orphanet 244, MedGen C0008780, MONDO:0016575, HP:0012265.
RPGR-related disorder. Also called: RPGR-related condition.

Submissions (3):

PreventionGenetics, part of Exact Sciences
Classification: Uncertain significance for RPGR-related condition. Last evaluated: 2025-08-01. Review status: criteria provided, single submitter. Criteria: ACMG Guidelines, 2015. Collection method: clinical testing. Allele origin: germline.
Comment: The RPGR c.2678G>T variant is predicted to result in the amino acid substitution p.Gly893Val. This variant has been reported in the hemizygous state in an individual with cone dystrophy (Nassisi et al. 2022. PubMed ID: 35806195). This variant has not been reported in a large population database (gnomAD), indicating this variant is rare. At this time, the clinical significance of this variant is uncertain due to the absence of conclusive functional and genetic evidence.

Blueprint Genetics
Classification: Likely benign. Last evaluated: 2024-11-19. Review status: criteria provided, single submitter. Criteria: ACMG Guidelines, 2015. Collection method: clinical testing. Allele origin: germline.

Labcorp Genetics (formerly Invitae), Labcorp
Classification: Uncertain significance for Primary ciliary dyskinesia. Last evaluated: 2024-11-08. Review status: criteria provided, single submitter. Criteria: Invitae Variant Classification Sherloc (09022015). Collection method: clinical testing. Allele origin: germline.
Comment: This sequence change replaces glycine, which is neutral and non-polar, with valine, which is neutral and non-polar, at codon 893 of the RPGR (ORF15) protein (p.Gly893Val). This variant is not present in population databases (gnomAD no frequency). This missense change has been observed in individual(s) with cone-rod dystrophy (PMID: 35806195). ClinVar contains an entry for this variant (Variation ID: 2042090). Invitae Evidence Modeling of protein sequence and biophysical properties (such as structural, functional, and spatial information, amino acid conservation, physicochemical variation, residue mobility, and thermodynamic stability) indicates that this missense variant is not expected to disrupt RPGR (ORF15) protein function with a negative predictive value of 95%. In summary, the available evidence is currently insufficient to determine the role of this variant in disease. Therefore, it has been classified as a Variant of Uncertain Significance.

Literature cited by the submitters: PubMed 35806195 (cited by Labcorp Genetics (formerly Invitae), Labcorp).

NM_001034853.2(RPGR):c.2678G>T (p.Gly893Val)

Gene: RPGR (retinitis pigmentosa GTPase regulator; minus strand). Cytogenetic location: Xp11.4.
Variant type: single nucleotide variant.
Coding change: c.2678G>T on transcript NM_001034853.2 (MANE Select); coding-DNA position 2678, G replaced by T.
Protein change: p.Gly893Val; replaces glycine 893 with valine.
Molecular consequence: missense variant. On other transcripts: intron variant (8).
Genome position (GRCh38, 1-based): chrX:38,286,321, C>A on the plus strand (G>T on the coding strand, the complement: RPGR is on the minus strand). VCF-style: chrX-38286321-C-A. GRCh37 (hg19) VCF-style: chrX-38145574-C-A.
Other names: c.2678G>T (NM_001034853.1); c.1569+4638G>T (NM_001367249.1, NM_001367250.1); c.1902+773G>T (NM_001367245.1); c.1386+4638G>T (NM_001367251.1); c.1719+773G>T (NM_001367246.1); c.1572+4638G>T (NM_001367247.1); c.1905+773G>T (NM_000328.3); c.1602+4638G>T (NM_001367248.1); short protein forms G893V.
Identifiers: ClinVar variation 2042090 (VCV002042090.7), dbSNP rs1418019007, ClinGen allele CA412730049.